The following is an entry in ClinVar:

ClinVar aggregate classification (germline): Benign/Likely benign. Review status: criteria provided, multiple submitters, no conflicts (2 of 4 stars). 3 submissions from 3 submitters: Benign (1); Likely benign (1). 1 of the submissions does not count toward it. Last evaluated 2025-07-14.

Conditions:
ACE-related disorder. Also called: ACE-related condition; ACE-related disorders.

Allele frequency attached by ClinVar (database versions not stated): TOPMed 0.00004; gnomAD 0.00027; gnomAD exomes 0.00037; ExAC 0.00087; 1000 Genomes Project 30x 0.00234; 1000 Genomes Project 0.00240.
gnomAD v4.1: 570 of 1,610,124 alleles (0.035%); highest among the groups gnomAD compares: South Asian, 0.59%; no homozygotes.

Submissions (3):

Labcorp Genetics (formerly Invitae), Labcorp
Classification: Benign. Last evaluated: 2025-07-14. Review status: criteria provided, single submitter. Criteria: Invitae Variant Classification Sherloc (09022015). Collection method: clinical testing. Allele origin: germline.

Blueprint Genetics
Classification: Likely benign. Last evaluated: 2024-07-11. Review status: criteria provided, single submitter. Criteria: ACMG Guidelines, 2015. Collection method: clinical testing. Allele origin: germline.

PreventionGenetics, part of Exact Sciences
Classification: Likely benign for ACE-related condition. Last evaluated: 2019-09-13. Review status: no assertion criteria provided. Collection method: clinical testing. Allele origin: germline. Not counted in ClinVar's aggregate classification.
Comment: This variant is classified as likely benign based on ACMG/AMP sequence variant interpretation guidelines (Richards et al. 2015 PMID: 25741868, with internal and published modifications).

NM_000789.4(ACE):c.3684G>A (p.Pro1228=)

Gene: ACE (angiotensin I converting enzyme; plus strand). Cytogenetic location: 17q23.3.
Variant type: single nucleotide variant.
Coding change: c.3684G>A on transcript NM_000789.4 (MANE Select); coding-DNA position 3684, G replaced by A.
Protein change: p.Pro1228=; no amino-acid change (proline 1228 retained).
Molecular consequence: synonymous variant. On other transcripts: non-coding transcript variant (1).
Genome position (GRCh38, 1-based): chr17:63,496,978, G>A. VCF-style: chr17-63496978-G-A. GRCh37 (hg19) VCF-style: chr17-61574339-G-A.
Other names: c.1839G>A, p.Pro613= (NM_001178057.2); c.3117G>A, p.Pro1039= (NM_001382700.1); c.2832G>A, p.Pro944= (NM_001382701.1); c.1299G>A, p.Pro433= (NM_001382702.1); c.1962G>A, p.Pro654= (NM_152830.3).
Identifiers: ClinVar variation 3053437 (VCV003053437.5), dbSNP rs201117207, ClinGen allele CA8700591.